The following is an entry in ClinVar:

NM_001145715.3(KPNA7):c.1408G>T (p.Glu470Ter)

Gene: KPNA7 (karyopherin subunit alpha 7; minus strand). Cytogenetic location: 7q22.1.
Variant type: single nucleotide variant.
Coding change: c.1408G>T on transcript NM_001145715.3 (MANE Select); coding-DNA position 1408, G replaced by T.
Protein change: p.Glu470Ter; replaces glutamic acid 470 with a stop codon.
Molecular consequence: nonsense.
Genome position (GRCh38, 1-based): chr7:99,177,976, C>A on the plus strand (G>T on the coding strand, the complement: KPNA7 is on the minus strand). VCF-style: chr7-99177976-C-A. GRCh37 (hg19) VCF-style: chr7-98775599-C-A.
Other names: short protein forms E470*.
Identifiers: ClinVar variation 1437997 (VCV001437997.3), dbSNP rs1798979275, ClinGen allele CA368417139.
Genomic context (GRCh38, chr7:99,177,976, plus strand): 5'-TTACCTCACCAAAGTGCTTCTCGATGATGTTCAAAGCCGACTGGCCAATTTGACGGTTCT[C>A]ATGCAGCTGTAAAGCCTCAATTCTATCGATCCCACCAAGTTCTTCTATCAGAAGACACAG-3'

ClinVar aggregate classification (germline): Uncertain significance (1 of 4 stars; one submission).

gnomAD v4.1: 1 of 1,552,038 alleles (0.000064%); highest among the groups gnomAD compares: Admixed American, 0.002%; no homozygotes.

Submission:

Labcorp Genetics (formerly Invitae), Labcorp
Classification: Uncertain significance. Last evaluated: 2022-09-13. Review status: criteria provided, single submitter. Criteria: Invitae Variant Classification Sherloc (09022015). Collection method: clinical testing. Allele origin: germline.
Comment: This sequence change creates a premature translational stop signal (p.Glu470*) in the KPNA7 gene. It is expected to result in an absent or disrupted protein product. However, the current clinical and genetic evidence is not sufficient to establish whether loss-of-function variants in KPNA7 cause disease. This variant is not present in population databases (gnomAD no frequency). This variant has not been reported in the literature in individuals affected with KPNA7-related conditions. ClinVar contains an entry for this variant (Variation ID: 1437997). In summary, the available evidence is currently insufficient to determine the role of this variant in disease. Therefore, it has been classified as a Variant of Uncertain Significance.